The following is an entry in ClinVar:

ClinVar aggregate classification (germline): Uncertain significance. Review status: criteria provided, multiple submitters, no conflicts (2 of 4 stars). 2 submissions from 2 submitters: Uncertain significance (2). Last evaluated 2023-12-06.

Conditions:
Inborn genetic diseases. Identifiers: MedGen C0950123, MeSH D030342.

Allele frequency attached by ClinVar (database versions not stated): gnomAD exomes 0.00001 and 0.00003; ExAC 0.00003; gnomAD 0.00003; TOPMed 0.00005.
gnomAD v4.1: 23 of 1,608,202 alleles (0.0014%); highest among the groups gnomAD compares: Middle Eastern, 0.035%; no homozygotes.

Submissions (2):

Ambry Genetics
Classification: Uncertain significance for Inborn genetic diseases. Last evaluated: 2023-12-06. Review status: criteria provided, single submitter. Criteria: Ambry Variant Classification Scheme 2023. Collection method: clinical testing. Allele origin: germline.

GeneDx
Classification: Uncertain significance. Last evaluated: 2020-07-10. Review status: criteria provided, single submitter. Criteria: GeneDx Variant Classification Process June 2021. Collection method: clinical testing. Allele origin: germline. Affected: yes.
Comment: Not observed at a significant frequency in large population cohorts (Lek et al., 2016); In silico analysis supports that this missense variant does not alter protein structure/function; Has not been previously published as pathogenic or benign to our knowledge

NM_033305.3(VPS13A):c.2831A>G (p.Asn944Ser)

Gene: VPS13A (vacuolar protein sorting 13 homolog A; plus strand). Cytogenetic location: 9q21.2.
Variant type: single nucleotide variant.
Coding change: c.2831A>G on transcript NM_033305.3 (MANE Select); coding-DNA position 2831, A replaced by G.
Protein change: p.Asn944Ser; replaces asparagine 944 with serine.
Molecular consequence: missense variant.
Genome position (GRCh38, 1-based): chr9:77,280,165, A>G. VCF-style: chr9-77280165-A-G. GRCh37 (hg19) VCF-style: chr9-79895081-A-G.
Other names: c.2831A>G, p.Asn944Ser (NM_001018037.2, NM_001018038.3, NM_015186.4); short protein forms N944S.
Identifiers: ClinVar variation 1303852 (VCV001303852.3), dbSNP rs774168415, ClinGen allele CA5092070.